The following is an entry in ClinVar:

NM_144997.7(FLCN):c.1124T>C (p.Ile375Thr)

Gene: FLCN (folliculin; minus strand). Cytogenetic location: 17p11.2.
Variant type: single nucleotide variant.
Coding change: c.1124T>C on transcript NM_144997.7 (MANE Select); coding-DNA position 1124, T replaced by C.
Protein change: p.Ile375Thr; replaces isoleucine 375 with threonine.
Molecular consequence: missense variant.
Genome position (GRCh38, 1-based): chr17:17,217,121, A>G on the plus strand (T>C on the coding strand, the complement: FLCN is on the minus strand). VCF-style: chr17-17217121-A-G. GRCh37 (hg19) VCF-style: chr17-17120435-A-G.
Other names: c.1178T>C, p.Ile393Thr (NM_001353229.2); c.1124T>C, p.Ile375Thr (NM_001353230.2, NM_001353231.2); short protein forms I375T, I393T.
Identifiers: ClinVar variation 2681943 (VCV002681943.5), dbSNP rs2046950265, ClinGen allele CA398532278.
Genomic context (GRCh38, chr17:17,217,121, plus strand): 5'-GTTCTCACCCGAAGTACTTCAAAAGCTGACTGGACGAGGTCCACGTCTCTGCTTTTCCAG[A>G]TCACCTGGTTCCCCATGAGAACGTGCCAGGCCAGCATGCGGAAAGAAGGGGCACCCAGGA-3'
Protein context (NP_659434.2, residues 365-385): AWHVLMGNQV[Ile375Thr]WKSRDVDLVQ

ClinVar aggregate classification (germline): Uncertain significance. Review status: criteria provided, multiple submitters, no conflicts (2 of 4 stars). 3 submissions from 3 submitters: Uncertain significance (3). Last evaluated 2024-08-24.

Conditions:
Birt-Hogg-Dube syndrome. Also called: Birt Hogg Dubé syndrome. Identifiers: Orphanet 122, MedGen C0346010, MONDO:0800444.
Hereditary cancer-predisposing syndrome. Also called: Tumor predisposition; Hereditary neoplastic syndrome; Neoplastic Syndromes, Hereditary; Hereditary Cancer Syndrome. Identifiers: Orphanet 140162, MedGen C0027672, MeSH D009386, MONDO:0015356.

Allele frequency attached by ClinVar (database versions not stated): TOPMed below 0.00001; gnomAD 0.00001.

Submissions (3):

Ambry Genetics
Classification: Uncertain significance for Hereditary cancer-predisposing syndrome. Last evaluated: 2024-08-24. Review status: criteria provided, single submitter. Criteria: Ambry Variant Classification Scheme 2023. Collection method: clinical testing. Allele origin: germline.
Comment: The p.I375T variant (also known as c.1124T>C), located in coding exon 7 of the FLCN gene, results from a T to C substitution at nucleotide position 1124. The isoleucine at codon 375 is replaced by threonine, an amino acid with similar properties. This amino acid position is conserved. In addition, this alteration is predicted to be deleterious by in silico analysis. Based on the available evidence, the clinical significance of this variant remains unclear.

Labcorp Genetics (formerly Invitae), Labcorp
Classification: Uncertain significance for Birt-Hogg-Dube syndrome. Last evaluated: 2024-07-09. Review status: criteria provided, single submitter. Criteria: Invitae Variant Classification Sherloc (09022015). Collection method: clinical testing. Allele origin: germline.
Comment: This sequence change replaces isoleucine, which is neutral and non-polar, with threonine, which is neutral and polar, at codon 375 of the FLCN protein (p.Ile375Thr). This variant is not present in population databases (gnomAD no frequency). This variant has not been reported in the literature in individuals affected with FLCN-related conditions. Advanced modeling of protein sequence and biophysical properties (such as structural, functional, and spatial information, amino acid conservation, physicochemical variation, residue mobility, and thermodynamic stability) performed at Invitae indicates that this missense variant is expected to disrupt FLCN protein function with a positive predictive value of 80%. In summary, the available evidence is currently insufficient to determine the role of this variant in disease. Therefore, it has been classified as a Variant of Uncertain Significance.

Quest Diagnostics Nichols Institute San Juan Capistrano
Classification: Uncertain significance. Last evaluated: 2023-05-01. Review status: criteria provided, single submitter. Criteria: Quest Diagnostics criteria. Collection method: clinical testing. Allele origin: unknown.
Comment: This variant has not been reported in the published literature. The frequency of this variant in the general population, 0.0000066 (1/152232 chromosomes), is uninformative in assessment of its pathogenicity. Analysis of this variant using bioinformatics tools for the prediction of the effect of amino acid changes on protein structure and function yielded predictions that this variant is damaging. Based on the available information, we are unable to determine the clinical significance of this variant.